The following is an entry in ClinVar:

NM_000516.7(GNAS):c.998G>A (p.Arg333His)

Gene: GNAS (GNAS complex locus; plus strand). Cytogenetic location: 20q13.32.
Variant type: single nucleotide variant.
Coding change: c.998G>A on transcript NM_000516.7 (MANE Select); coding-DNA position 998, G replaced by A.
Protein change: p.Arg333His; replaces arginine 333 with histidine.
Molecular consequence: missense variant. On other transcripts: 3 prime UTR variant (2).
Genome position (GRCh38, 1-based): chr20:58,910,361, G>A. VCF-style: chr20-58910361-G-A. GRCh37 (hg19) VCF-style: chr20-57485416-G-A.
Other names: c.1001G>A, p.Arg334His (NM_001077488.5); c.953G>A, p.Arg318His (NM_001077489.4); c.*859G>A (NM_001077490.3); c.821G>A, p.Arg274His (NM_001309840.2, NM_001309861.2); c.*904G>A (NM_016592.5); c.2927G>A, p.Arg976His (NM_080425.4); c.956G>A, p.Arg319His (NM_080426.4); short protein forms R274H, R318H, R319H, R333H, R334H, R976H.
Identifiers: ClinVar variation 1195510 (VCV001195510.10), dbSNP rs1418870137, ClinGen allele CA409453578.

ClinVar aggregate classification (germline): Uncertain significance. Review status: criteria provided, multiple submitters, no conflicts (2 of 4 stars). 2 submissions from 2 submitters: Uncertain significance (2). Last evaluated 2024-11-18.

Allele frequency attached by ClinVar (database versions not stated): gnomAD exomes below 0.00001; TOPMed below 0.00001.
gnomAD v4.1: 1 of 1,612,652 alleles (0.000062%); highest among the groups gnomAD compares: Non-Finnish European, 0.000085%; no homozygotes.

Submissions (2):

GeneDx
Classification: Uncertain significance. Last evaluated: 2024-11-18. Review status: criteria provided, single submitter. Criteria: GeneDx Variant Classification Process June 2021. Collection method: clinical testing. Allele origin: germline. Affected: yes.
Comment: Not observed at significant frequency in large population cohorts (gnomAD); In silico analysis supports that this missense variant has a deleterious effect on protein structure/function; Has not been previously published as pathogenic or benign to our knowledge

Labcorp Genetics (formerly Invitae), Labcorp
Classification: Uncertain significance. Last evaluated: 2022-09-02. Review status: criteria provided, single submitter. Criteria: Invitae Variant Classification Sherloc (09022015). Collection method: clinical testing. Allele origin: germline.
Comment: In summary, the available evidence is currently insufficient to determine the role of this variant in disease. Therefore, it has been classified as a Variant of Uncertain Significance. Algorithms developed to predict the effect of missense changes on protein structure and function are either unavailable or do not agree on the potential impact of this missense change (SIFT: "Tolerated"; PolyPhen-2: "Possibly Damaging"; Align-GVGD: "Class C0"). ClinVar contains an entry for this variant (Variation ID: 1195510). This variant has not been reported in the literature in individuals affected with GNAS-related conditions. This variant is not present in population databases (gnomAD no frequency). This sequence change replaces arginine, which is basic and polar, with histidine, which is basic and polar, at codon 333 of the GNAS protein (p.Arg333His).